The following is an entry in ClinVar:

NM_014712.3(SETD1A):c.4891A>C (p.Thr1631Pro)

Gene: SETD1A (SET domain containing 1A, histone lysine methyltransferase; plus strand). Cytogenetic location: 16p11.2.
Variant type: single nucleotide variant.
Coding change: c.4891A>C on transcript NM_014712.3 (MANE Select); coding-DNA position 4891, A replaced by C.
Protein change: p.Thr1631Pro; replaces threonine 1631 with proline.
Molecular consequence: missense variant.
Genome position (GRCh38, 1-based): chr16:30,983,713, A>C. VCF-style: chr16-30983713-A-C. GRCh37 (hg19) VCF-style: chr16-30995034-A-C.
Other names: short protein forms T1631P.
Identifiers: ClinVar variation 3776499 (VCV003776499.2).
Genomic context (GRCh38, chr16:30,983,713, plus strand): 5'-GAGAAGCGCTACGTGCAGGAGGGCATTGGCAGCAGCTACCTGTTCCGGGTGGACCACGAC[A>C]CCATCATCGATGCCACCAAGTGTGGCAACCTGGCCAGATTCATCAACCACTGCTGCACGG-3'
Protein context (NP_055527.1, residues 1621-1641): SSYLFRVDHD[Thr1631Pro]IIDATKCGNL

ClinVar aggregate classification (germline): Uncertain significance (1 of 4 stars; one submission).

Submission:

GeneDx
Classification: Uncertain significance. Last evaluated: 2026-10-15. Review status: criteria provided, single submitter. Criteria: GeneDx Variant Classification Process June 2021. Collection method: clinical testing. Allele origin: germline.
Comment: Not observed at significant frequency in large population cohorts (gnomAD); In silico analysis supports that this missense variant has a deleterious effect on protein structure/function; Has not been previously published as pathogenic or benign to our knowledge